The following is an entry in ClinVar:

NM_020708.5(SLC12A5):c.17C>T (p.Thr6Met)

Gene: SLC12A5 (solute carrier family 12 member 5; plus strand). Cytogenetic location: 20q13.12.
Variant type: single nucleotide variant.
Coding change: c.17C>T on transcript NM_020708.5 (MANE Select); coding-DNA position 17, C replaced by T.
Protein change: p.Thr6Met; replaces threonine 6 with methionine.
Molecular consequence: missense variant. On other transcripts: intron variant (1).
Genome position (GRCh38, 1-based): chr20:46,029,361, C>T. VCF-style: chr20-46029361-C-T. GRCh37 (hg19) VCF-style: chr20-44658000-C-T.
Other names: c.122-5587C>T (NM_001134771.2); short protein forms T6M.
Identifiers: ClinVar variation 1465626 (VCV001465626.6), dbSNP rs538727547, ClinGen allele CA315646567.
Genomic context (GRCh38, chr20:46,029,361, plus strand): 5'-CGAGGCGGCGCAGCCATCCCCGGACCAGGGGCCGCGCCGCCACCATGCTAAACAACCTGA[C>T]GGACTGCGAGGACGGCGATGGGGGAGCCAACCCGGGTAAGCTGTGGTCCGGGGGCGGCGG-3'
Protein context (NP_065759.1, residues 1-16): MLNNL[Thr6Met]DCEDGDGGAN

ClinVar aggregate classification (germline): Uncertain significance (1 of 4 stars; one submission).

Conditions:
Developmental and epileptic encephalopathy, 34 (DEE34). Also called: Early infantile epileptic encephalopathy 34; SLC12A5-Related Epilepsy of Infancy with Migrating Focal Seizures. Identifiers: Orphanet 293181, MedGen C4225257, MONDO:0014718, OMIM 616645.

Allele frequency attached by ClinVar (database versions not stated): TOPMed below 0.00001; gnomAD 0.00001; 1000 Genomes Project 0.00020; 1000 Genomes Project 30x 0.00031.
gnomAD v4.1: 7 of 1,548,944 alleles (0.00045%); highest among the groups gnomAD compares: Admixed American, 0.012%; no homozygotes.

Submission:

Labcorp Genetics (formerly Invitae), Labcorp
Classification: Uncertain significance for Developmental and epileptic encephalopathy, 34. Last evaluated: 2023-08-04. Review status: criteria provided, single submitter. Criteria: Invitae Variant Classification Sherloc (09022015). Collection method: clinical testing. Allele origin: germline.
Comment: Advanced modeling of protein sequence and biophysical properties (such as structural, functional, and spatial information, amino acid conservation, physicochemical variation, residue mobility, and thermodynamic stability) performed at Invitae indicates that this missense variant is not expected to disrupt SLC12A5 protein function. ClinVar contains an entry for this variant (Variation ID: 1465626). This variant has not been reported in the literature in individuals affected with SLC12A5-related conditions. In summary, the available evidence is currently insufficient to determine the role of this variant in disease. Therefore, it has been classified as a Variant of Uncertain Significance. The frequency data for this variant in the population databases is considered unreliable, as metrics indicate poor data quality at this position in the gnomAD database. This sequence change replaces threonine, which is neutral and polar, with methionine, which is neutral and non-polar, at codon 6 of the SLC12A5 protein (p.Thr6Met).